The following is an entry in ClinVar:

ClinVar aggregate classification (germline): Benign. Review status: criteria provided, multiple submitters, no conflicts (2 of 4 stars). 5 submissions from 5 submitters: Benign (5). Last evaluated 2026-02-02.

Conditions:
Isolated microphthalmia 3 (MCOPS16). Also called: MICROPHTHALMIA, SYNDROMIC 16. Identifiers: Orphanet 2542, MedGen C5774181, MONDO:0012604, OMIM 611038.

Allele frequency attached by ClinVar (database versions not stated): ESP Exome Variant Server 0.22664; 1000 Genomes Project 30x 0.19660; TOPMed 0.22840; gnomAD 0.23367 and 0.23545; 1000 Genomes Project 0.19569; gnomAD exomes 0.22406; ExAC 0.25329.

Submissions (5):

Labcorp Genetics (formerly Invitae), Labcorp
Classification: Benign for Isolated microphthalmia 3. Last evaluated: 2026-02-02. Review status: criteria provided, single submitter. Criteria: Invitae Variant Classification Sherloc (09022015). Collection method: clinical testing. Allele origin: germline.

Illumina Laboratory Services, Illumina
Classification: Benign for Isolated microphthalmia 3. Last evaluated: 2018-01-13. Review status: criteria provided, single submitter. Criteria: ICSL Variant Classification Criteria 13 December 2019. Collection method: clinical testing. Allele origin: germline.
Comment: This variant was observed in the ICSL laboratory as part of a predisposition screen in an ostensibly healthy population. It had not been previously curated by ICSL or reported in the Human Gene Mutation Database (HGMD: prior to June 1st, 2018), and was therefore a candidate for classification through an automated scoring system. Utilizing variant allele frequency, disease prevalence and penetrance estimates, and inheritance mode, an automated score was calculated to assess if this variant is too frequent to cause the disease. Based on the score and internal cut-off values, a variant classified as benign is not then subjected to further curation. The score for this variant resulted in a classification of benign for this disease.

GeneDx
Classification: Benign. Last evaluated: 2015-03-03. Review status: criteria provided, single submitter. Criteria: GeneDx Variant Classification Process June 2021. Collection method: clinical testing. Allele origin: germline. Affected: yes.

Breakthrough Genomics
Classification: Benign. Review status: criteria provided, single submitter. Criteria: ACMG Guidelines, 2015. Collection method: not provided. Allele origin: germline. Inheritance: Autosomal recessive inheritance. Affected: yes.

PreventionGenetics, part of Exact Sciences
Classification: Benign. Review status: criteria provided, single submitter. Criteria: ACMG Guidelines, 2015. Collection method: clinical testing. Allele origin: germline.

NM_013435.3(RAX):c.132C>A (p.Asp44Glu)

Gene: RAX (retina and anterior neural fold homeobox; minus strand). Cytogenetic location: 18q21.32.
Variant type: single nucleotide variant.
Coding change: c.132C>A on transcript NM_013435.3 (MANE Select); coding-DNA position 132, C replaced by A.
Protein change: p.Asp44Glu; replaces aspartic acid 44 with glutamic acid.
Molecular consequence: missense variant.
Genome position (GRCh38, 1-based): chr18:59,273,075, G>T on the plus strand (C>A on the coding strand, the complement: RAX is on the minus strand). VCF-style: chr18-59273075-G-T. GRCh37 (hg19) VCF-style: chr18-56940307-G-T.
Other names: short protein forms D44E.
Identifiers: ClinVar variation 260309 (VCV000260309.16), dbSNP rs2271733, ClinGen allele CA8979426.
Genomic context (GRCh38, chr18:59,273,075, plus strand): 5'-ATCCCGCTCCTTCGCGCCCCGGGCGCCCCGCTCCGCCGGGAAGGTGCCGAGGATCCCGTC[G>T]TCCTTGGTAAACCCCAGGATGGCCTCGATGCTGTGAAGTCGCGAGGTGCTCCCGCCCGGG-3'
Protein context (NP_038463.2, residues 34-54): SIEAILGFTK[Asp44Glu]DGILGTFPAE